The following is an entry in ClinVar:

ClinVar aggregate classification (germline): Conflicting classifications of pathogenicity. Review status: criteria provided, conflicting classifications (1 of 4 stars). 2 submissions from 2 submitters: Uncertain significance (1); Likely benign (1). Last evaluated 2023-03-23.

Conditions:
Hereditary cancer-predisposing syndrome. Also called: Neoplastic Syndromes, Hereditary; Tumor predisposition; Hereditary Cancer Syndrome; Hereditary neoplastic syndrome. Identifiers: Orphanet 140162, MedGen C0027672, MeSH D009386, MONDO:0015356.

Submissions (2):

University of Washington Department of Laboratory Medicine, University of Washington
Classification: Likely benign for Hereditary cancer-predisposing syndrome. Last evaluated: 2023-03-23. Review status: criteria provided, single submitter. Criteria: Dines et al. (Genet Med. 2020). Collection method: curation. Allele origin: germline.
Comment: Missense variant in a coldspot region where missense variants are very unlikely to be pathogenic (PMID:31911673).

BRCA2 exon 11 coldspot. Reclassification based on statistical prior probability.

Ambry Genetics
Classification: Uncertain significance for Hereditary cancer-predisposing syndrome. Last evaluated: 2015-06-25. Review status: criteria provided, single submitter. Criteria: Ambry Variant Classification Scheme 2023. Collection method: clinical testing. Allele origin: germline.
Comment: The p.T1656R variant (also known as c.4967C>G or 5195C>G), located in coding exon 10 of the BRCA2 gene, results from a C to G substitution at nucleotide position 4967. The threonine at codon 1656 is replaced by arginine, an amino acid with similar properties. Based on protein sequence alignment, this amino acid position is poorly conserved in available vertebrate species. In addition, this alteration is predicted to be tolerated by in silico analysis. Since supporting evidence is limited at this time, the clinical significance of this alteration remains unclear.

NM_000059.4(BRCA2):c.4967C>G (p.Thr1656Arg)

Gene: BRCA2 (BRCA2 DNA repair associated; plus strand). Cytogenetic location: 13q13.1.
Variant type: single nucleotide variant.
Coding change: c.4967C>G on transcript NM_000059.4 (MANE Select); coding-DNA position 4967, C replaced by G.
Protein change: p.Thr1656Arg; replaces threonine 1656 with arginine.
Molecular consequence: missense variant.
Genome position (GRCh38, 1-based): chr13:32,339,322, C>G. VCF-style: chr13-32339322-C-G. GRCh37 (hg19) VCF-style: chr13-32913459-C-G.
Other names: short protein forms T1656R.
Identifiers: ClinVar variation 232456 (VCV000232456.7), dbSNP rs876659777, ClinGen allele CA10579641.
Genomic context (GRCh38, chr13:32,339,322, plus strand): 5'-AAGTTAAAGTACATGAAAATGTAGAAAAAGAAACAGCAAAAAGTCCTGCAACTTGTTACA[C>G]AAATCAGTCCCCTTATTCAGTCATTGAAAATTCAGCCTTAGCTTTTTACACAAGTTGTAG-3'
Protein context (NP_000050.3, residues 1646-1666): ETAKSPATCY[Thr1656Arg]NQSPYSVIEN